The following is an entry in ClinVar:

ClinVar aggregate classification (germline): Pathogenic/Likely pathogenic. Review status: criteria provided, multiple submitters, no conflicts (2 of 4 stars). 3 submissions from 3 submitters: Pathogenic (2); Likely pathogenic (1). Last evaluated 2024-11-12.

Conditions:
Hereditary cancer-predisposing syndrome. Also called: Neoplastic Syndromes, Hereditary; Hereditary neoplastic syndrome; Hereditary Cancer Syndrome; Tumor predisposition. Identifiers: Orphanet 140162, MedGen C0027672, MeSH D009386, MONDO:0015356.
Cardiovascular phenotype. Identifiers: MedGen CN230736.

Allele frequency attached by ClinVar (database versions not stated): gnomAD exomes below 0.00001.

Submissions (3):

Ambry Genetics
Classification: Pathogenic for Cardiovascular phenotype; Hereditary cancer-predisposing syndrome. Last evaluated: 2024-11-12. Review status: criteria provided, single submitter. Criteria: Ambry Variant Classification Scheme 2023. Collection method: clinical testing. Allele origin: germline.
Comment: The c.438delG pathogenic mutation, located in coding exon 5 of the LZTR1 gene, results from a deletion of one nucleotide at nucleotide position 438, causing a translational frameshift with a predicted alternate stop codon (p.K147Rfs*53). This variant is considered to be rare based on population cohorts in the Genome Aggregation Database (gnomAD). This alteration is expected to result in loss of function by premature protein truncation or nonsense-mediated mRNA decay. Loss-of-function variants in LZTR1 are related to an increased risk for schwannomas and autosomal recessive Noonan syndrome; however, such associations with autosomal dominant Noonan syndrome have not been observed (Piotrowski A et al. Nat Genet. 2014 Feb;46:182-7; Yamamoto GL et al. J Med Genet. 2015 Jun;52:413-21; Johnston JJ et al. Genet Med. 2018 10;20:1175-1185). Based on the supporting evidence, this variant is pathogenic for an increased risk of LZTR1-related schwannomatosis (SWN) and would be expected to cause autosomal recessive Noonan syndrome when present along with a second pathogenic or likely pathogenic variant on the other allele; however, the association of this alteration with autosomal dominant Noonan syndrome is unlikely.

Labcorp Genetics (formerly Invitae), Labcorp
Classification: Pathogenic. Last evaluated: 2023-03-24. Review status: criteria provided, single submitter. Criteria: Invitae Variant Classification Sherloc (09022015). Collection method: clinical testing. Allele origin: germline.
Comment: For these reasons, this variant has been classified as Pathogenic. ClinVar contains an entry for this variant (Variation ID: 450698). This variant has not been reported in the literature in individuals affected with LZTR1-related conditions. This variant is not present in population databases (gnomAD no frequency). This sequence change creates a premature translational stop signal (p.Lys147Argfs*53) in the LZTR1 gene. It is expected to result in an absent or disrupted protein product. Loss-of-function variants in LZTR1 are known to be pathogenic (PMID: 24362817, 25335493, 25480913, 25795793, 29469822, 30368668, 30442762, 30442766, 30481304, 30859559).

GeneDx
Classification: Likely pathogenic. Last evaluated: 2017-07-26. Review status: criteria provided, single submitter. Criteria: GeneDx Variant Classification (06012015). Collection method: clinical testing. Allele origin: germline. Affected: yes.
Comment: The c.438delG variant in the LZTR1 gene has not been reported previously as a pathogenic variant nor as a benign variant, to our knowledge. The c.438delG variant causes a frameshift starting with codon Lysine 147, changes this amino acid to an Arginine residue, and creates a premature Stop codon at position 53 of the new reading frame, denoted p.Lys147ArgfsX53. This variant is predicted to cause loss of normal protein function either through protein truncation or nonsense-mediated mRNA decay. The c.438delG variant is not observed in large population cohorts (Lek et al., 2016; 1000 Genomes Consortium et al., 2015; Exome Variant Server). We interpret c.438delG as a likely pathogenic variant,

Literature cited by the submitters: PubMed 24362817 (cited by Labcorp Genetics (formerly Invitae), Labcorp); PubMed 25335493 (cited by Labcorp Genetics (formerly Invitae), Labcorp); PubMed 25480913 (cited by Labcorp Genetics (formerly Invitae), Labcorp); PubMed 25795793 (cited by Labcorp Genetics (formerly Invitae), Labcorp); PubMed 29469822 (cited by Labcorp Genetics (formerly Invitae), Labcorp); PubMed 30368668 (cited by Labcorp Genetics (formerly Invitae), Labcorp); PubMed 30442762 (cited by Labcorp Genetics (formerly Invitae), Labcorp); PubMed 30442766 (cited by Labcorp Genetics (formerly Invitae), Labcorp); PubMed 30481304 (cited by Labcorp Genetics (formerly Invitae), Labcorp); PubMed 30859559 (cited by Labcorp Genetics (formerly Invitae), Labcorp).

NM_006767.4(LZTR1):c.438del (p.Lys147fs)

Gene: LZTR1 (leucine zipper like post translational regulator 1; plus strand). Cytogenetic location: 22q11.21.
Variant type: Deletion.
Coding change: c.438del on transcript NM_006767.4 (MANE Select); coding-DNA position 438, one base deleted (G; older notation c.438delG).
Protein change: p.Lys147fs; shifts the reading frame from lysine 147.
Molecular consequence: frameshift variant.
Genome position (GRCh38, 1-based): chr22:20,988,047, G deleted. VCF-style (leftmost placement, unchanged base first): chr22-20988046-TG-T. GRCh37 (hg19) VCF-style: chr22-21342335-TG-T.
Other names: short protein forms K147fs.
Identifiers: ClinVar variation 450698 (VCV000450698.6), dbSNP rs1555927613, ClinGen allele CA658658905.
Genomic context (GRCh38, chr22:20,988,046, plus strand): 5'-CAGTTTCTCACTCTCTTTACTCAGGGGGTTACACTGGGGACATTTATTCCAATTCTAACT[TG>T]AAGAATAAAAACGACCTCTTTGAATACAAGTTTGCAACTGGCCAGTGGACGGAGTGGAAA-3'